The following is an entry in ClinVar:

NM_015868.3(KIR2DL3):c.30T>C (p.Cys10=)

Gene: KIR2DL3 (killer cell immunoglobulin like receptor, two Ig domains and long cytoplasmic tail 3). Cytogenetic location: 19q13.42.
Variant type: single nucleotide variant.
Coding change: c.30T>C on transcript NM_015868.3 (MANE Select); coding-DNA position 30, T replaced by C.
Protein change: p.Cys10=; no amino-acid change (cysteine 10 retained).
Molecular consequence: synonymous variant.
Genome position (GRCh38, 1-based): chr19:54,738,575, T>C. VCF-style: chr19-54738575-T-C. GRCh37 (hg19) VCF-style: chr19-55250040-T-C.
Identifiers: ClinVar variation 4084080 (VCV004084080.8).

ClinVar aggregate classification (germline): Likely benign (1 of 4 stars; one submission).

Submission:

CeGaT Center for Human Genetics Tuebingen
Classification: Likely benign. Last evaluated: 2025-08-01. Review status: criteria provided, single submitter. Criteria: CeGaT Center For Human Genetics Tuebingen Variant Classification Criteria Version 2. Collection method: clinical testing. Allele origin: germline. Affected: yes. Observed: 1 variant allele.
Comment: KIR2DL3: BP4, BP7